The following is an entry in ClinVar:

NM_138395.4(MARS2):c.1345_1356del (p.Leu449_Ala452del)

Gene: MARS2 (methionyl-tRNA synthetase 2, mitochondrial; plus strand). Cytogenetic location: 2q33.1.
Variant type: Deletion.
Coding change: c.1345_1356del on transcript NM_138395.4 (MANE Select); coding-DNA positions 1345 to 1356, 12 bases deleted (CTGGTGAGCGCA).
Protein change: p.Leu449_Ala452del.
Molecular consequence: inframe deletion.
Genome position (GRCh38, 1-based): chr2:197,706,750-197,706,761, CTGGTGAGCGCA deleted. VCF-style (leftmost placement, unchanged base first): chr2-197706749-TCTGGTGAGCGCA-T. GRCh37 (hg19) VCF-style: chr2-198571473-TCTGGTGAGCGCA-T.
Identifiers: ClinVar variation 2125135 (VCV002125135.4), dbSNP rs2468942149, ClinGen allele CA2580065416.
Genomic context (GRCh38, chr2:197,706,749, plus strand): 5'-CTTCCCTAGTGAGCCAGGGTTGGTGGGGCCGTCAGTTCGTGCTCAGGCAGAGGATTATGC[TCTGGTGAGCGCA>T]GTGGCCACTTTGCCAAAGCAGGTAGCAGACCACTATGATAACTTTCGGATATATAAGGCT-3'

ClinVar aggregate classification (germline): Uncertain significance (1 of 4 stars; one submission).

Submission:

Labcorp Genetics (formerly Invitae), Labcorp
Classification: Uncertain significance. Last evaluated: 2024-05-07. Review status: criteria provided, single submitter. Criteria: Invitae Variant Classification Sherloc (09022015). Collection method: clinical testing. Allele origin: germline.
Comment: This variant, c.1345_1356del, results in the deletion of 4 amino acid(s) of the MARS2 protein (p.Leu449_Ala452del), but otherwise preserves the integrity of the reading frame. This variant is not present in population databases (gnomAD no frequency). This variant has not been reported in the literature in individuals affected with MARS2-related conditions. ClinVar contains an entry for this variant (Variation ID: 2125135). Experimental studies and prediction algorithms are not available or were not evaluated, and the functional significance of this variant is currently unknown. In summary, the available evidence is currently insufficient to determine the role of this variant in disease. Therefore, it has been classified as a Variant of Uncertain Significance.